The following is an entry in ClinVar:

NM_015466.4(PTPN23):c.4599C>A (p.Ser1533Arg)

Gene: PTPN23 (protein tyrosine phosphatase non-receptor type 23; plus strand). Cytogenetic location: 3p21.31.
Variant type: single nucleotide variant.
Coding change: c.4599C>A on transcript NM_015466.4 (MANE Select); coding-DNA position 4599, C replaced by A.
Protein change: p.Ser1533Arg; replaces serine 1533 with arginine.
Molecular consequence: missense variant.
Genome position (GRCh38, 1-based): chr3:47,412,873, C>A. VCF-style: chr3-47412873-C-A. GRCh37 (hg19) VCF-style: chr3-47454363-C-A.
Other names: c.4221C>A, p.Ser1407Arg (NM_001304482.2); short protein forms S1533R, S1407R.
Identifiers: ClinVar variation 3689588 (VCV003689588.2).

ClinVar aggregate classification (germline): Uncertain significance (1 of 4 stars; one submission).

gnomAD v4.1: 1 of 1,612,248 alleles (0.000062%); highest among the groups gnomAD compares: South Asian, 0.0011%; no homozygotes.

Submission:

Labcorp Genetics (formerly Invitae), Labcorp
Classification: Uncertain significance. Last evaluated: 2024-10-01. Review status: criteria provided, single submitter. Criteria: Invitae Variant Classification Sherloc (09022015). Collection method: clinical testing. Allele origin: germline.
Comment: This sequence change replaces serine, which is neutral and polar, with arginine, which is basic and polar, at codon 1533 of the PTPN23 protein (p.Ser1533Arg). This variant is present in population databases (rs761903796, gnomAD 0.003%). This variant has not been reported in the literature in individuals affected with PTPN23-related conditions. Experimental studies and prediction algorithms are not available or were not evaluated, and the functional significance of this variant is currently unknown. In summary, the available evidence is currently insufficient to determine the role of this variant in disease. Therefore, it has been classified as a Variant of Uncertain Significance.